The following is an entry in ClinVar:

NM_005732.4(RAD50):c.3050G>A (p.Trp1017Ter)

Gene: RAD50 (RAD50 double strand break repair protein; plus strand). Cytogenetic location: 5q31.1.
Variant type: single nucleotide variant.
Coding change: c.3050G>A on transcript NM_005732.4 (MANE Select); coding-DNA position 3050, G replaced by A.
Protein change: p.Trp1017Ter; replaces tryptophan 1017 with a stop codon.
Molecular consequence: nonsense.
Genome position (GRCh38, 1-based): chr5:132,616,016, G>A. VCF-style: chr5-132616016-G-A. GRCh37 (hg19) VCF-style: chr5-131951708-G-A.
Other names: short protein forms W1017*.
Identifiers: ClinVar variation 480391 (VCV000480391.55), dbSNP rs1554099776, ClinGen allele CA360963415.

ClinVar aggregate classification (germline): Pathogenic/Likely pathogenic. Review status: criteria provided, multiple submitters, no conflicts (2 of 4 stars). 5 submissions from 5 submitters: Pathogenic (3); Likely pathogenic (1). 1 of the submissions does not count toward it. Last evaluated 2024-10-24.

Conditions:
Breast and/or ovarian cancer. Identifiers: MedGen CN221562.
Hereditary cancer-predisposing syndrome. Also called: Hereditary neoplastic syndrome; Tumor predisposition; Neoplastic Syndromes, Hereditary; Hereditary Cancer Syndrome. Identifiers: Orphanet 140162, MedGen C0027672, MeSH D009386, MONDO:0015356.
Nijmegen breakage syndrome-like disorder (NBSLD). Also called: MICROCEPHALY AND SPONTANEOUS CHROMOSOME INSTABILITY WITHOUT IMMUNODEFICIENCY; NBS-LIKE DISORDER; RAD50 DEFICIENCY. Identifiers: Orphanet 240760, MedGen C2751318, MONDO:0013118, OMIM 613078.

Allele frequency attached by ClinVar (database versions not stated): gnomAD exomes below 0.00001; gnomAD 0.00001.
gnomAD v4.1: 6 of 1,583,146 alleles (0.00038%); highest among the groups gnomAD compares: Non-Finnish European, 0.00052%; no homozygotes.

Submissions (5):

Labcorp Genetics (formerly Invitae), Labcorp
Classification: Pathogenic for Hereditary cancer-predisposing syndrome. Last evaluated: 2024-10-24. Review status: criteria provided, single submitter. Criteria: Invitae Variant Classification Sherloc (09022015). Collection method: clinical testing. Allele origin: germline.
Comment: This sequence change creates a premature translational stop signal (p.Trp1017*) in the RAD50 gene. It is expected to result in an absent or disrupted protein product. Loss-of-function variants in RAD50 are known to be pathogenic (PMID: 19409520). This variant is not present in population databases (gnomAD no frequency). This variant has not been reported in the literature in individuals affected with RAD50-related conditions. ClinVar contains an entry for this variant (Variation ID: 480391). For these reasons, this variant has been classified as Pathogenic.

Ambry Genetics
Classification: Pathogenic for Hereditary cancer-predisposing syndrome. Last evaluated: 2023-04-28. Review status: criteria provided, single submitter. Criteria: Ambry Variant Classification Scheme 2023. Collection method: clinical testing. Allele origin: germline.
Comment: The p.W1017* pathogenic mutation (also known as c.3050G>A), located in coding exon 20 of the RAD50 gene, results from a G to A substitution at nucleotide position 3050. This changes the amino acid from a tryptophan to a stop codon within coding exon 20. This alteration is expected to result in loss of function by premature protein truncation or nonsense-mediated mRNA decay. As such, this alteration is interpreted as a disease-causing mutation.

Baylor Genetics
Classification: Likely pathogenic for Nijmegen breakage syndrome-like disorder. Last evaluated: 2021-05-18. Review status: criteria provided, single submitter. Criteria: ACMG Guidelines, 2015. Collection method: clinical testing. Allele origin: unknown.

CeGaT Center for Human Genetics Tuebingen
Classification: Pathogenic. Last evaluated: 2018-11-01. Review status: criteria provided, single submitter. Criteria: CeGaT Center For Human Genetics Tuebingen Variant Classification Criteria Version 2. Collection method: clinical testing. Allele origin: germline. Affected: yes. Observed: 1 variant allele.

CZECANCA consortium
Classification: Pathogenic for Breast and/or ovarian cancer. Last evaluated: 2019-06-11. Review status: no assertion criteria provided. Collection method: clinical testing. Allele origin: germline. Affected: yes. Observed: 1 variant allele. Not counted in ClinVar's aggregate classification.

Literature cited by the submitters: PubMed 19409520 (cited by Labcorp Genetics (formerly Invitae), Labcorp); PubMed 32295079 (cited by CZECANCA consortium).